The following is an entry in ClinVar:

NM_000210.4(ITGA6):c.495C>T (p.Asp165=)

Genes: ITGA6 (integrin subunit alpha 6; plus strand), PDK1-AS1 (PDK1 and ITGA6 antisense RNA 1; minus strand). Cytogenetic location: 2q31.1.
Variant type: single nucleotide variant.
Coding change: c.495C>T on transcript NM_000210.4 (MANE Select); coding-DNA position 495, C replaced by T.
Protein change: p.Asp165=; no amino-acid change (aspartic acid 165 retained).
Molecular consequence: synonymous variant.
Genome position (GRCh38, 1-based): chr2:172,469,232, C>T. VCF-style: chr2-172469232-C-T. GRCh37 (hg19) VCF-style: chr2-173333960-C-T.
Other names: c.495C>T, p.Asp165= (NM_001394928.1, NM_001079818.3, NM_001365529.2 and 1 more transcripts); c.495C>T (NM_000210.3); c.153C>T, p.Asp51= (NM_001316306.2).
Identifiers: ClinVar variation 2711765 (VCV002711765.5), dbSNP rs369555678, ClinGen allele CA1967843.

ClinVar aggregate classification (germline): Likely benign. Review status: criteria provided, single submitter (1 of 4 stars). 2 submissions from 2 submitters: Likely benign (1). 1 of the submissions does not count toward it. Last evaluated 2024-03-21.

Conditions:
ITGA6-related disorder. Also called: ITGA6-related condition.

Allele frequency attached by ClinVar (database versions not stated): gnomAD exomes 0.00010; TOPMed 0.00011; ExAC 0.00012; gnomAD 0.00013; ESP Exome Variant Server 0.00015.
gnomAD v4.1: 174 of 1,613,890 alleles (0.011%); highest among the groups gnomAD compares: Non-Finnish European, 0.013%; no homozygotes.

Submissions (2):

Labcorp Genetics (formerly Invitae), Labcorp
Classification: Likely benign. Last evaluated: 2024-03-21. Review status: criteria provided, single submitter. Criteria: Invitae Variant Classification Sherloc (09022015). Collection method: clinical testing. Allele origin: germline.

PreventionGenetics, part of Exact Sciences
Classification: Likely benign for ITGA6-related condition. Last evaluated: 2019-08-12. Review status: no assertion criteria provided. Collection method: clinical testing. Allele origin: germline. Not counted in ClinVar's aggregate classification.
Comment: This variant is classified as likely benign based on ACMG/AMP sequence variant interpretation guidelines (Richards et al. 2015 PMID: 25741868, with internal and published modifications).